The following is an entry in ClinVar:

ClinVar aggregate classification (germline): Uncertain significance (1 of 4 stars; one submission).

Conditions:
Hereditary cancer-predisposing syndrome. Also called: Neoplastic Syndromes, Hereditary; Tumor predisposition; Hereditary Cancer Syndrome; Hereditary neoplastic syndrome. Identifiers: Orphanet 140162, MedGen C0027672, MeSH D009386, MONDO:0015356.

Submission:

Ambry Genetics
Classification: Uncertain significance for Hereditary cancer-predisposing syndrome. Last evaluated: 2026-06-02. Review status: criteria provided, single submitter. Criteria: Ambry Variant Classification Scheme 2023. Collection method: clinical testing. Allele origin: germline.
Comment: The p.H95R variant (also known as c.284A>G), located in coding exon 2 of the CDK4 gene, results from an A to G substitution at nucleotide position 284. The histidine at codon 95 is replaced by arginine, an amino acid with highly similar properties. This amino acid position is well conserved in available vertebrate species. In addition, this alteration is predicted to be deleterious by in silico analysis. Based on the available evidence, the clinical significance of this variant remains unclear.

NM_000075.4(CDK4):c.284A>G (p.His95Arg)

Gene: CDK4 (cyclin dependent kinase 4; minus strand). Cytogenetic location: 12q14.1.
Variant type: single nucleotide variant.
Coding change: c.284A>G on transcript NM_000075.4 (MANE Select); coding-DNA position 284, A replaced by G.
Protein change: p.His95Arg; replaces histidine 95 with arginine.
Molecular consequence: missense variant.
Genome position (GRCh38, 1-based): chr12:57,751,277, T>C on the plus strand (A>G on the coding strand, the complement: CDK4 is on the minus strand). VCF-style: chr12-57751277-T-C. GRCh37 (hg19) VCF-style: chr12-58145060-T-C.
Other names: short protein forms H95R.
Identifiers: ClinVar variation 4868609 (VCV004868609.1).